The following is an entry in ClinVar:

NM_001372076.1(PAX9):c.565C>T (p.Pro189Ser)

Gene: PAX9 (paired box 9; plus strand). Cytogenetic location: 14q13.3.
Variant type: single nucleotide variant.
Coding change: c.565C>T on transcript NM_001372076.1 (MANE Select); coding-DNA position 565, C replaced by T.
Protein change: p.Pro189Ser; replaces proline 189 with serine.
Molecular consequence: missense variant.
Genome position (GRCh38, 1-based): chr14:36,663,457, C>T. VCF-style: chr14-36663457-C-T. GRCh37 (hg19) VCF-style: chr14-37132662-C-T.
Other names: c.565C>T, p.Pro189Ser (NM_006194.4); short protein forms P189S.
Identifiers: ClinVar variation 2849976 (VCV002849976.3), dbSNP rs1298394734, ClinGen allele CA389467093.
Genomic context (GRCh38, chr14:36,663,457, plus strand): 5'-GCGGCCGCCAAGGTGCCCACGCCACCCGGGGTGCCTGCCATCCCCGGTTCGGTGGCCATG[C>T]CGCGCACCTGGCCCTCCTCGCACTCCGTCACCGACATCCTGGGCATCCGCTCCATCACCG-3'
Protein context (NP_001359005.1, residues 179-199): VPAIPGSVAM[Pro189Ser]RTWPSSHSVT

ClinVar aggregate classification (germline): Uncertain significance (1 of 4 stars; one submission).

Conditions:
Hypodontia. Also called: TOOTH AGENESIS, FAMILIAL; Tooth agenesis, selective; Partial congenital absence of teeth. Identifiers: Orphanet 99798, MedGen C0020608, MONDO:0005486, HP:0000668. Disease mechanism: loss of function.

gnomAD v4.1: 4 of 1,612,982 alleles (0.00025%); highest among the groups gnomAD compares: Non-Finnish European, 0.00034%; no homozygotes.

Submission:

Labcorp Genetics (formerly Invitae), Labcorp
Classification: Uncertain significance for Hypodontia. Last evaluated: 2024-10-23. Review status: criteria provided, single submitter. Criteria: Invitae Variant Classification Sherloc (09022015). Collection method: clinical testing. Allele origin: germline.
Comment: This sequence change replaces proline, which is neutral and non-polar, with serine, which is neutral and polar, at codon 189 of the PAX9 protein (p.Pro189Ser). The frequency data for this variant in the population databases is considered unreliable, as metrics indicate poor data quality at this position in the gnomAD database. This variant has not been reported in the literature in individuals affected with PAX9-related conditions. Invitae Evidence Modeling of protein sequence and biophysical properties (such as structural, functional, and spatial information, amino acid conservation, physicochemical variation, residue mobility, and thermodynamic stability) indicates that this missense variant is not expected to disrupt PAX9 protein function with a negative predictive value of 80%. In summary, the available evidence is currently insufficient to determine the role of this variant in disease. Therefore, it has been classified as a Variant of Uncertain Significance.